The following is an entry in ClinVar:

NM_020433.5(JPH2):c.98A>G (p.Lys33Arg)

Gene: JPH2 (junctophilin 2; minus strand). Cytogenetic location: 20q13.12.
Variant type: single nucleotide variant.
Coding change: c.98A>G on transcript NM_020433.5 (MANE Select); coding-DNA position 98, A replaced by G.
Protein change: p.Lys33Arg; replaces lysine 33 with arginine.
Molecular consequence: missense variant.
Genome position (GRCh38, 1-based): chr20:44,186,608, T>C on the plus strand (A>G on the coding strand, the complement: JPH2 is on the minus strand). VCF-style: chr20-44186608-T-C. GRCh37 (hg19) VCF-style: chr20-42815248-T-C.
Other names: c.98A>G, p.Lys33Arg (NM_175913.4); short protein forms K33R.
Identifiers: ClinVar variation 580315 (VCV000580315.9), dbSNP rs573848816, ClinGen allele CA9868927.
Genomic context (GRCh38, chr20:44,186,608, plus strand): 5'-GTGTAGACACCTGCCACCTCAAAGCCAAAGTTCCAGGAGCCAGAGTATTCGCCCTGGCCC[T>C]TGGGGCCTGTGCACAGTCCATGCCCATGGGCCTTTCCCCCCTCCCAGCCCCCGCAGTACG-3'
Protein context (NP_065166.2, residues 23-43): AHGHGLCTGP[Lys33Arg]GQGEYSGSWN

ClinVar aggregate classification (germline): Uncertain significance (1 of 4 stars; one submission).

Conditions:
Hypertrophic cardiomyopathy. Also called: HYPERTROPHIC MYOCARDIOPATHY. Identifiers: Orphanet 217569, MedGen C0007194, MeSH D002312, MONDO:0005045, HP:0001639.

Allele frequency attached by ClinVar (database versions not stated): gnomAD exomes below 0.00001; ExAC 0.00001; gnomAD 0.00001; 1000 Genomes Project 30x 0.00016; 1000 Genomes Project 0.00020.
gnomAD v4.1: 1 of 1,613,278 alleles (0.000062%); highest among the groups gnomAD compares: South Asian, 0.0011%; no homozygotes.

Submission:

Labcorp Genetics (formerly Invitae), Labcorp
Classification: Uncertain significance for Hypertrophic cardiomyopathy. Last evaluated: 2020-03-05. Review status: criteria provided, single submitter. Criteria: Invitae Variant Classification Sherloc (09022015). Collection method: clinical testing. Allele origin: germline.
Comment: This sequence change replaces lysine with arginine at codon 33 of the JPH2 protein (p.Lys33Arg). The lysine residue is highly conserved and there is a small physicochemical difference between lysine and arginine. This variant is present in population databases (rs573848816, ExAC 0.006%). This variant has not been reported in the literature in individuals with JPH2-related disease. Algorithms developed to predict the effect of missense changes on protein structure and function do not agree on the potential impact of this missense change (SIFT: "Tolerated"; PolyPhen-2: "Probably Damaging"; Align-GVGD: "Class C0"). In summary, the available evidence is currently insufficient to determine the role of this variant in disease. Therefore, it has been classified as a Variant of Uncertain Significance.